The following is an entry in ClinVar:

ClinVar aggregate classification (germline): Likely benign. Review status: criteria provided, multiple submitters, no conflicts (2 of 4 stars). 2 submissions from 2 submitters: Likely benign (2). Last evaluated 2024-10-30.

Conditions:
Autosomal recessive ataxia, Beauce type. Also called: Spinocerebellar ataxia, autosomal recessive 8; ATAXIA, RECESSIVE, OF BEAUCE; SYNE1 Deficiency; SYNE1-Related Autosomal Recessive Cerebellar Ataxia. Identifiers: Orphanet 88644, MedGen C1853116, MONDO:0012549, OMIM 610743.
Emery-Dreifuss muscular dystrophy 4, autosomal dominant (EDMD4). Also called: EMERY-DREIFUSS MUSCULAR DYSTROPHY 4 WITH VARIABLE FEATURES. Identifiers: Orphanet 261, MedGen C2751807, MONDO:0013071, OMIM 612998.

Allele frequency attached by ClinVar (database versions not stated): ExAC 0.00001; gnomAD 0.00001; gnomAD exomes 0.00001 and 0.00002.
gnomAD v4.1: 15 of 1,613,998 alleles (0.00093%); highest among the groups gnomAD compares: Non-Finnish European, 0.0012%; no homozygotes.

Submissions (2):

Labcorp Genetics (formerly Invitae), Labcorp
Classification: Likely benign for Emery-Dreifuss muscular dystrophy 4, autosomal dominant; Autosomal recessive ataxia, Beauce type. Last evaluated: 2024-10-30. Review status: criteria provided, single submitter. Criteria: Invitae Variant Classification Sherloc (09022015). Collection method: clinical testing. Allele origin: germline.

ARUP Laboratories, Molecular Genetics and Genomics, ARUP Laboratories
Classification: Likely benign. Last evaluated: 2018-05-18. Review status: criteria provided, single submitter. Criteria: ARUP Molecular Germline Variant Investigation Process. Collection method: clinical testing. Allele origin: germline.
Comment: The p.Asn1036Asn variant (rs770801617) does not alter the amino acid sequence of the SYNE1 protein and computational splice site prediction algorithms do not predict a change in the nearest splice site or creation of a cryptic splice site. This variant has not been reported in association with cardiomyopathy in medical literature or in gene specific variation databases. This variant is listed in the Genome Aggregation Database (gnomAD) with an overall population frequency of 0.002 percent (identified on 4 out of 246,200 chromosomes). Based on these observations, the p.Asn1036Asn variant is likely to be benign.

NM_182961.4(SYNE1):c.3087T>C (p.Asn1029=)

Gene: SYNE1 (spectrin repeat containing nuclear envelope protein 1; minus strand). Cytogenetic location: 6q25.2.
Variant type: single nucleotide variant.
Coding change: c.3087T>C on transcript NM_182961.4 (MANE Select); coding-DNA position 3087, T replaced by C.
Protein change: p.Asn1029=; no amino-acid change (asparagine 1029 retained).
Molecular consequence: synonymous variant.
Genome position (GRCh38, 1-based): chr6:152,451,146, A>G on the plus strand (T>C on the coding strand, the complement: SYNE1 is on the minus strand). VCF-style: chr6-152451146-A-G. GRCh37 (hg19) VCF-style: chr6-152772281-A-G.
Other names: c.3108T>C, p.Asn1036= (NM_033071.5).
Identifiers: ClinVar variation 618413 (VCV000618413.15), dbSNP rs770801617, ClinGen allele CA4058926.
Genomic context (GRCh38, chr6:152,451,146, plus strand): 5'-CATCAGCTTGGTCTCTCGATCCAGCTCAGTTCTGCATTCTTCTACAGAGGCTAAGAACCT[A>G]TTCTTCTCCACATCAATCTTCAGATGAAGCAAATGATAAGGGGCTTCTCCTTGAAGATCC-3'
Protein context (NP_892006.3, residues 1019-1039): LLHLKIDVEK[Asn1029=]RFLASVEECR